The following is an entry in ClinVar:

NM_020922.5(WNK3):c.1453A>G (p.Arg485Gly)

Gene: WNK3 (WNK lysine deficient protein kinase 3; minus strand). Cytogenetic location: Xp11.22.
Variant type: single nucleotide variant.
Coding change: c.1453A>G on transcript NM_020922.5 (MANE Select); coding-DNA position 1453, A replaced by G.
Protein change: p.Arg485Gly; replaces arginine 485 with glycine.
Molecular consequence: missense variant.
Genome position (GRCh38, 1-based): chrX:54,294,793, T>C on the plus strand (A>G on the coding strand, the complement: WNK3 is on the minus strand). VCF-style: chrX-54294793-T-C. GRCh37 (hg19) VCF-style: chrX-54321226-T-C.
Other names: c.1453A>G, p.Arg485Gly (NM_001002838.4, NM_001395166.1); short protein forms R485G.
Identifiers: ClinVar variation 5008731 (VCV005008731.1).
Genomic context (GRCh38, chrX:54,294,793, plus strand): 5'-CTTCCAAACAGCCAGCAGGCTTCTTCTCTCTTGTCTTCTTTATTGGCGTCACCCGGTCTC[T>C]AATGGATTTAGCAACAGCTTTGGAATCACTTTCATGGAAGAACCCAGACTTGACCTACAA-3'
Protein context (NP_065973.2, residues 475-495): SDSKAVAKSI[Arg485Gly]DRVTPIKKTR

ClinVar aggregate classification (germline): Uncertain significance (1 of 4 stars; one submission).

Submission:

GeneDx
Classification: Uncertain significance. Last evaluated: 2026-03-09. Review status: criteria provided, single submitter. Criteria: GeneDx Variant Classification Process June 2021. Collection method: clinical testing. Allele origin: germline.
Comment: Not observed at significant frequency in large population cohorts (gnomAD); In silico analysis supports that this missense variant has a deleterious effect on protein structure/function; Has not been previously published as pathogenic or benign to our knowledge